The following is an entry in ClinVar:

NM_032816.5(CEP89):c.2302G>A (p.Gly768Ser)

Gene: CEP89 (centrosomal protein 89; minus strand). Cytogenetic location: 19q13.11.
Variant type: single nucleotide variant.
Coding change: c.2302G>A on transcript NM_032816.5 (MANE Select); coding-DNA position 2302, G replaced by A.
Protein change: p.Gly768Ser; replaces glycine 768 with serine.
Molecular consequence: missense variant.
Genome position (GRCh38, 1-based): chr19:32,879,212, C>T on the plus strand (G>A on the coding strand, the complement: CEP89 is on the minus strand). VCF-style: chr19-32879212-C-T. GRCh37 (hg19) VCF-style: chr19-33370118-C-T.
Other names: c.2302G>A (NM_032816.3); short protein forms G768S.
Identifiers: ClinVar variation 3015026 (VCV003015026.4), dbSNP rs1442998111, ClinGen allele CA405207397.
Genomic context (GRCh38, chr19:32,879,212, plus strand): 5'-CCCGCAGATTCTAGCAGGTGGGGGCATGAGACTTCAGGTCATAGGAGCAGACATCGCAGC[C>T]GTCCAGCAGGTCTGCCTGAGAGACGCCATTGAGGCTGGGGGCAACCAGAGCTCTGGGGTT-3'
Protein context (NP_116205.3, residues 758-778): NGVSQADLLD[Gly768Ser]CDVCSYDLKS

ClinVar aggregate classification (germline): Uncertain significance. Review status: criteria provided, multiple submitters, no conflicts (2 of 4 stars). 2 submissions from 2 submitters: Uncertain significance (2). Last evaluated 2025-01-21.

Allele frequency attached by ClinVar (database versions not stated): TOPMed 0.00002.
gnomAD v4.1: 9 of 1,613,944 alleles (0.00056%); highest among the groups gnomAD compares: East Asian, 0.0022%; no homozygotes.

Submissions (2):

Ambry Genetics
Classification: Uncertain significance. Last evaluated: 2025-01-21. Review status: criteria provided, single submitter. Criteria: Ambry Variant Classification Scheme 2023. Collection method: clinical testing. Allele origin: germline.

Labcorp Genetics (formerly Invitae), Labcorp
Classification: Uncertain significance. Last evaluated: 2024-01-02. Review status: criteria provided, single submitter. Criteria: Invitae Variant Classification Sherloc (09022015). Collection method: clinical testing. Allele origin: germline.
Comment: This sequence change replaces glycine, which is neutral and non-polar, with serine, which is neutral and polar, at codon 768 of the CEP89 protein (p.Gly768Ser). This variant is present in population databases (no rsID available, gnomAD 0.0009%). This variant has not been reported in the literature in individuals affected with CEP89-related conditions. An algorithm developed to predict the effect of missense changes on protein structure and function (PolyPhen-2) suggests that this variant is likely to be tolerated. In summary, the available evidence is currently insufficient to determine the role of this variant in disease. Therefore, it has been classified as a Variant of Uncertain Significance.